The following is an entry in ClinVar:

NM_002880.4(RAF1):c.1668+18C>T

Gene: RAF1 (Raf-1 proto-oncogene, serine/threonine kinase; minus strand). Cytogenetic location: 3p25.2.
Variant type: single nucleotide variant.
Coding change: c.1668+18C>T on transcript NM_002880.4 (MANE Select); 18 bases into the intron after coding-DNA position 1668, C replaced by T.
Molecular consequence: intron variant.
Genome position (GRCh38, 1-based): chr3:12,585,104, G>A on the plus strand (C>T on the coding strand, the complement: RAF1 is on the minus strand). VCF-style: chr3-12585104-G-A. GRCh37 (hg19) VCF-style: chr3-12626603-G-A.
Other names: c.1326+18C>T (NM_001354695.3); c.1425+18C>T (NM_001354692.3, NM_001354691.3); c.1485+18C>T (NM_001354694.3); c.1569+18C>T (NM_001354693.3); c.1728+18C>T (NM_001354689.3); c.1668+18C>T (NM_001354690.3).
Identifiers: ClinVar variation 517088 (VCV000517088.8), dbSNP rs755924543, ClinGen allele CA2259451.

ClinVar aggregate classification (germline): Likely benign. Review status: criteria provided, multiple submitters, no conflicts (2 of 4 stars). 2 submissions from 2 submitters: Likely benign (2). Last evaluated 2024-11-07.

Conditions:
RASopathy. Also called: rasopathies; Noonan spectrum disorder. Identifiers: Orphanet 536391, MedGen C5555857, MONDO:0021060.

Allele frequency attached by ClinVar (database versions not stated): gnomAD 0.00001 and 0.00002; gnomAD exomes 0.00001 and 0.00002; ExAC 0.00002.
gnomAD v4.1: 16 of 1,614,048 alleles (0.00099%); highest among the groups gnomAD compares: East Asian, 0.0022%; no homozygotes.

Submissions (2):

Labcorp Genetics (formerly Invitae), Labcorp
Classification: Likely benign for RASopathy. Last evaluated: 2024-11-07. Review status: criteria provided, single submitter. Criteria: Invitae Variant Classification Sherloc (09022015). Collection method: clinical testing. Allele origin: germline.

GeneDx
Classification: Likely benign. Last evaluated: 2017-09-20. Review status: criteria provided, single submitter. Criteria: GeneDx Variant Classification (06012015). Collection method: clinical testing. Allele origin: germline. Affected: yes.
Comment: This variant is considered likely benign or benign based on one or more of the following criteria: it is a conservative change, it occurs at a poorly conserved position in the protein, it is predicted to be benign by multiple in silico algorithms, and/or has population frequency not consistent with disease.